The following is an entry in ClinVar:

NM_001353486.2(SPATA6L):c.93C>G (p.Val31=)

Gene: SPATA6L (spermatogenesis associated 6 like; minus strand). Cytogenetic location: 9p24.1.
Variant type: single nucleotide variant.
Coding change: c.93C>G on transcript NM_001353486.2 (MANE Select); coding-DNA position 93, C replaced by G.
Protein change: p.Val31=; no amino-acid change (valine 31 retained).
Molecular consequence: synonymous variant. On other transcripts: 5 prime UTR variant (5), non-coding transcript variant (6).
Genome position (GRCh38, 1-based): chr9:4,661,983, G>C on the plus strand (C>G on the coding strand, the complement: SPATA6L is on the minus strand). VCF-style: chr9-4661983-G-C. GRCh37 (hg19) VCF-style: chr9-4661983-G-C.
Other names: c.93C>G, p.Val31= (NM_001039395.4, NM_001353484.2, NM_001353485.2 and 1 more transcripts); c.-7C>G (NM_001353487.1, NM_001353488.1); c.-186C>G (NM_001353489.1, NM_001353490.1); c.-553C>G (NM_001353491.2).
Identifiers: ClinVar variation 2659042 (VCV002659042.24), dbSNP rs757530634, ClinGen allele CA4969951.

ClinVar aggregate classification (germline): Likely benign (1 of 4 stars; one submission).

Allele frequency attached by ClinVar (database versions not stated): ExAC 0.00003.
gnomAD v4.1: 35 of 1,614,102 alleles (0.0022%); highest among the groups gnomAD compares: Non-Finnish European, 0.0013%; no homozygotes.

Submission:

CeGaT Center for Human Genetics Tuebingen
Classification: Likely benign. Last evaluated: 2023-10-01. Review status: criteria provided, single submitter. Criteria: CeGaT Center For Human Genetics Tuebingen Variant Classification Criteria Version 2. Collection method: clinical testing. Allele origin: germline. Affected: yes. Observed: 1 variant allele.
Comment: SPATA6L: BP4, BP7